The following is an entry in ClinVar:

NM_004933.3(CDH15):c.2189C>T (p.Pro730Leu)

Gene: CDH15 (cadherin 15; plus strand). Cytogenetic location: 16q24.3.
Variant type: single nucleotide variant.
Coding change: c.2189C>T on transcript NM_004933.3 (MANE Select); coding-DNA position 2189, C replaced by T.
Protein change: p.Pro730Leu; replaces proline 730 with leucine.
Molecular consequence: missense variant.
Genome position (GRCh38, 1-based): chr16:89,194,899, C>T. VCF-style: chr16-89194899-C-T. GRCh37 (hg19) VCF-style: chr16-89261307-C-T.
Other names: short protein forms P730L.
Identifiers: ClinVar variation 5002899 (VCV005002899.1).

ClinVar aggregate classification (germline): Uncertain significance (1 of 4 stars; one submission).

Conditions:
Intellectual developmental disorder, autosomal dominant 3. Also called: Intellectual disability, autosomal dominant 3. Identifiers: MedGen C2675488, MONDO:0012946, OMIM 612580.

Submission:

OLLIN Analises Genomicas, OLLIN
Classification: Uncertain significance for Intellectual developmental disorder, autosomal dominant 3. Last evaluated: 2026-08-06. Review status: criteria provided, single submitter. Criteria: ACMG Guidelines 2015 PMID 25741868. Collection method: clinical testing. Allele origin: germline. Inheritance: Autosomal dominant inheritance.
Comment: This missense variant, located in exon 14 (of 14), has been observed in gnomAD with an allele frequency of 0.000062%, but has not been reported in ClinVar or identified in the literature. In silico analysis predicts that this variant has a deleterious effect. According to the currently available evidence, this variant has been classified as uncertain significance (PP3).